The following is an entry in ClinVar:

ClinVar aggregate classification (germline): Uncertain significance (1 of 4 stars; one submission).

Submission:

GeneDx
Classification: Uncertain significance. Last evaluated: 2026-04-15. Review status: criteria provided, single submitter. Criteria: GeneDx Variant Classification Process June 2021. Collection method: clinical testing. Allele origin: germline.
Comment: Not observed at significant frequency in large population cohorts (gnomAD); In silico analysis supports that this missense variant has a deleterious effect on protein structure/function; Has not been previously published as pathogenic or benign to our knowledge

NM_032217.5(ANKRD17):c.3203C>G (p.Pro1068Arg)

Gene: ANKRD17 (ankyrin repeat domain 17; minus strand). Cytogenetic location: 4q13.3.
Variant type: single nucleotide variant.
Coding change: c.3203C>G on transcript NM_032217.5 (MANE Select); coding-DNA position 3203, C replaced by G.
Protein change: p.Pro1068Arg; replaces proline 1068 with arginine.
Molecular consequence: missense variant.
Genome position (GRCh38, 1-based): chr4:73,135,148, G>C on the plus strand (C>G on the coding strand, the complement: ANKRD17 is on the minus strand). VCF-style: chr4-73135148-G-C. GRCh37 (hg19) VCF-style: chr4-74000865-G-C.
Other names: c.2864C>G, p.Pro955Arg (NM_001286771.3); c.3200C>G, p.Pro1067Arg (NM_015574.2); c.2450C>G, p.Pro817Arg (NM_198889.3); short protein forms P1067R, P1068R, P817R, P955R.
Identifiers: ClinVar variation 5037280 (VCV005037280.1).